The following is an entry in ClinVar:

NM_005045.4(RELN):c.449C>T (p.Ala150Val)

Gene: RELN (reelin; minus strand). Cytogenetic location: 7q22.1.
Variant type: single nucleotide variant.
Coding change: c.449C>T on transcript NM_005045.4 (MANE Select); coding-DNA position 449, C replaced by T.
Protein change: p.Ala150Val; replaces alanine 150 with valine.
Molecular consequence: missense variant.
Genome position (GRCh38, 1-based): chr7:103,833,561, G>A on the plus strand (C>T on the coding strand, the complement: RELN is on the minus strand). VCF-style: chr7-103833561-G-A. GRCh37 (hg19) VCF-style: chr7-103474008-G-A.
Other names: c.449C>T, p.Ala150Val (NM_173054.3); short protein forms A150V.
Identifiers: ClinVar variation 1354098 (VCV001354098.10), dbSNP rs752566456, ClinGen allele CA4422593.

ClinVar aggregate classification (germline): Conflicting classifications of pathogenicity. Review status: criteria provided, conflicting classifications (1 of 4 stars). 3 submissions from 3 submitters: Uncertain significance (2); Likely benign (1). Last evaluated 2025-06-04.

Conditions:
Norman-Roberts syndrome (LIS2). Also called: Lissencephaly 2 (Norman-Roberts type). Identifiers: Orphanet 89844, MedGen C0796089, MONDO:0009760, OMIM 257320.
Familial temporal lobe epilepsy 7. Identifiers: Orphanet 101046, MedGen C4225327, MONDO:0014639, OMIM 616436.

Allele frequency attached by ClinVar (database versions not stated): ExAC 0.00001; gnomAD 0.00001 and 0.00002; TOPMed 0.00001; gnomAD exomes 0.00002 and 0.00003.
gnomAD v4.1: 40 of 1,614,028 alleles (0.0025%); highest among the groups gnomAD compares: African/African-American, 0.0053%; no homozygotes.

Submissions (3):

Labcorp Genetics (formerly Invitae), Labcorp
Classification: Uncertain significance for Familial temporal lobe epilepsy 7; Norman-Roberts syndrome. Last evaluated: 2025-06-04. Review status: criteria provided, single submitter. Criteria: Invitae Variant Classification Sherloc (09022015). Collection method: clinical testing. Allele origin: germline.
Comment: This sequence change replaces alanine, which is neutral and non-polar, with valine, which is neutral and non-polar, at codon 150 of the RELN protein (p.Ala150Val). This variant is present in population databases (rs752566456, gnomAD 0.003%). This variant has not been reported in the literature in individuals affected with RELN-related conditions. ClinVar contains an entry for this variant (Variation ID: 1354098). Invitae Evidence Modeling of protein sequence and biophysical properties (such as structural, functional, and spatial information, amino acid conservation, physicochemical variation, residue mobility, and thermodynamic stability) indicates that this missense variant is not expected to disrupt RELN protein function with a negative predictive value of 80%. In summary, the available evidence is currently insufficient to determine the role of this variant in disease. Therefore, it has been classified as a Variant of Uncertain Significance.

Laboratory of Genetics, Children's Clinical University Hospital Latvia
Classification: Likely benign. Last evaluated: 2025-02-16. Review status: criteria provided, single submitter. Criteria: ACMG Guidelines, 2015. Collection method: clinical testing. Allele origin: germline. Affected: yes.

Blueprint Genetics
Classification: Uncertain significance. Last evaluated: 2024-08-26. Review status: criteria provided, single submitter. Criteria: ACMG Guidelines, 2015. Collection method: clinical testing. Allele origin: germline.